The following is an entry in ClinVar:

ClinVar aggregate classification (germline): Likely benign (0 of 4 stars; one submission).

Conditions:
LAGE3-related disorder. Also called: LAGE3-related condition.

Submission:

PreventionGenetics, part of Exact Sciences
Classification: Likely benign for LAGE3-related condition. Last evaluated: 2021-02-18. Review status: no assertion criteria provided. Collection method: clinical testing. Allele origin: germline.
Comment: This variant is classified as likely benign based on ACMG/AMP sequence variant interpretation guidelines (Richards et al. 2015 PMID: 25741868, with internal and published modifications).

NM_006014.5(LAGE3):c.54G>C (p.Arg18=)

Genes: LAGE3 (L antigen family member 3; minus strand), LOC130068876 (ATAC-STARR-seq lymphoblastoid silent region 21109; plus strand). Cytogenetic location: Xq28.
Variant type: single nucleotide variant.
Coding change: c.54G>C on transcript NM_006014.5 (MANE Select); coding-DNA position 54, G replaced by C.
Protein change: p.Arg18=; no amino-acid change (arginine 18 retained).
Molecular consequence: synonymous variant.
Genome position (GRCh38, 1-based): chrX:154,478,862, C>G on the plus strand (G>C on the coding strand, the complement: LAGE3 is on the minus strand). VCF-style: chrX-154478862-C-G. GRCh37 (hg19) VCF-style: chrX-153707201-C-G.
Identifiers: ClinVar variation 3058085 (VCV003058085.2), dbSNP rs2069255659, ClinGen allele CA415194727.